The following is an entry in ClinVar:

NM_024675.4(PALB2):c.3114-1_3201+2del

Gene: PALB2 (partner and localizer of BRCA2; minus strand). Cytogenetic location: 16p12.2.
Variant type: Deletion.
Coding change: c.3114-1_3201+2del on transcript NM_024675.4 (MANE Select); the canonical splice acceptor site of the intron before coding-DNA position 3114 through the canonical splice donor site of the intron after coding-DNA position 3201, 91 bases deleted.
Molecular consequence: splice acceptor variant, splice donor variant.
Genome position (GRCh38, 1-based): chr16:23,614,002-23,614,092, 91 bases deleted. GRCh37 (hg19): chr16:23,625,323-23,625,413.
Identifiers: ClinVar variation 1049345 (VCV001049345.1), dbSNP rs2142298541, ClinGen allele CA2499223405.

ClinVar aggregate classification (germline): Pathogenic (0 of 4 stars; one submission).

Conditions:
Pancreatic cancer, susceptibility to, 3. Identifiers: Orphanet 1333, MedGen C3150547, MONDO:0013236, OMIM 613348.

Submission:

Department of Pathology and Laboratory Medicine, Sinai Health System
Classification: Pathogenic for Pancreatic cancer, susceptibility to, 3. Review status: no assertion criteria provided. Collection method: clinical testing. Allele origin: unknown. Affected: yes. Study: The Canadian Open Genetics Repository (COGR).
Comment: The PALB2 c.3114-?_3201+?del variant (chr:16 g.23625325_23625412del GRCh37) results in a deletion/duplication of exon 11, although the precise breakpoints of this deletion were not determined, nor were the effects of this variant on the resulting mRNA or protein product determined. The variant was also identified in ClinVar (1x as pathogenic by Invitae). The variant was not identified in the Cosmic, MutDB, LOVD 3.0, or the Zhejiang Colon Cancer database. The variant was not identified in the following control databases: the 1000 Genomes Project, the NHLBI GO Exome Sequencing Project, the Exome Aggregation Consortium (August 8th 2016), or the Genome Aggregation Database (Feb 27, 2017). The c.3114_3201del variant is predicted to cause a frameshift, which alters the protein's amino acid sequence beginning at codon 1039 and leads to a premature stop codon at position 1046. This alteration is then predicted to result in a truncated or absent protein and loss of function. Loss of function variants of the PALB2 gene are an established mechanism of disease in PALB2-associed cancer predisposition and is the type of variant expected to cause the disorder. In summary, based on the above information this variant meets our laboratoryâ€šÃ„Ã´s criteria to be classified as pathogenic.